The following is an entry in ClinVar:

NM_152327.5(AK7):c.517T>C (p.Phe173Leu)

Gene: AK7 (adenylate kinase 7; plus strand). Cytogenetic location: 14q32.2.
Variant type: single nucleotide variant.
Coding change: c.517T>C on transcript NM_152327.5 (MANE Select); coding-DNA position 517, T replaced by C.
Protein change: p.Phe173Leu; replaces phenylalanine 173 with leucine.
Molecular consequence: missense variant.
Genome position (GRCh38, 1-based): chr14:96,420,840, T>C. VCF-style: chr14-96420840-T-C. GRCh37 (hg19) VCF-style: chr14-96887177-T-C.
Other names: c.517T>C, p.Phe173Leu (NM_001350888.2, NM_001350890.2, NM_001350891.2 and 1 more transcripts); short protein forms F173L.
Identifiers: ClinVar variation 2764636 (VCV002764636.3), dbSNP rs1329454553, ClinGen allele CA390919620.

ClinVar aggregate classification (germline): Uncertain significance (1 of 4 stars; one submission).

Allele frequency attached by ClinVar (database versions not stated): gnomAD exomes below 0.00001.
gnomAD v4.1: 1 of 1,612,490 alleles (0.000062%); highest among the groups gnomAD compares: East Asian, 0.0022%; no homozygotes.

Submission:

Labcorp Genetics (formerly Invitae), Labcorp
Classification: Uncertain significance. Last evaluated: 2023-05-23. Review status: criteria provided, single submitter. Criteria: Invitae Variant Classification Sherloc (09022015). Collection method: clinical testing. Allele origin: germline.
Comment: In summary, the available evidence is currently insufficient to determine the role of this variant in disease. Therefore, it has been classified as a Variant of Uncertain Significance. Advanced modeling of protein sequence and biophysical properties (such as structural, functional, and spatial information, amino acid conservation, physicochemical variation, residue mobility, and thermodynamic stability) performed at Invitae indicates that this missense variant is not expected to disrupt AK7 protein function. This variant has not been reported in the literature in individuals affected with AK7-related conditions. This variant is present in population databases (no rsID available, gnomAD 0.006%). This sequence change replaces phenylalanine, which is neutral and non-polar, with leucine, which is neutral and non-polar, at codon 173 of the AK7 protein (p.Phe173Leu).